The following is an entry in ClinVar:

ClinVar aggregate classification (germline): Uncertain significance. Review status: criteria provided, multiple submitters, no conflicts (2 of 4 stars). 2 submissions from 2 submitters: Uncertain significance (2). Last evaluated 2026-02-19.

Allele frequency attached by ClinVar (database versions not stated): gnomAD exomes below 0.00001.
gnomAD v4.1: 2 of 1,211,947 alleles (0.00017%); highest among the groups gnomAD compares: Non-Finnish European, 0.00022%; no homozygotes.

Submissions (2):

GeneDx
Classification: Uncertain significance. Last evaluated: 2026-02-19. Review status: criteria provided, single submitter. Criteria: GeneDx Variant Classification Process June 2021. Collection method: clinical testing. Allele origin: germline.
Comment: Not observed at significant frequency in large population cohorts (gnomAD); In silico analysis supports that this missense variant has a deleterious effect on protein structure/function; Has not been previously published as pathogenic or benign to our knowledge

Labcorp Genetics (formerly Invitae), Labcorp
Classification: Uncertain significance. Last evaluated: 2022-04-03. Review status: criteria provided, single submitter. Criteria: Invitae Variant Classification Sherloc (09022015). Collection method: clinical testing. Allele origin: germline.
Comment: In summary, the available evidence is currently insufficient to determine the role of this variant in disease. Therefore, it has been classified as a Variant of Uncertain Significance. This sequence change replaces methionine, which is neutral and non-polar, with threonine, which is neutral and polar, at codon 473 of the CLCN4 protein (p.Met473Thr). This variant is not present in population databases (gnomAD no frequency). This variant has not been reported in the literature in individuals affected with CLCN4-related conditions. Algorithms developed to predict the effect of missense changes on protein structure and function (SIFT, PolyPhen-2, Align-GVGD) all suggest that this variant is likely to be disruptive.

NM_001830.4(CLCN4):c.1418T>C (p.Met473Thr)

Gene: CLCN4 (Cl-/H+ antiporter 4; plus strand). Cytogenetic location: Xp22.2.
Variant type: single nucleotide variant.
Coding change: c.1418T>C on transcript NM_001830.4 (MANE Select); coding-DNA position 1418, T replaced by C.
Protein change: p.Met473Thr; replaces methionine 473 with threonine.
Molecular consequence: missense variant.
Genome position (GRCh38, 1-based): chrX:10,212,495, T>C. VCF-style: chrX-10212495-T-C. GRCh37 (hg19) VCF-style: chrX-10180535-T-C.
Other names: c.1136T>C, p.Met379Thr (NM_001256944.2); c.1418T>C (NM_001830.3); short protein forms M379T, M473T.
Identifiers: ClinVar variation 2121086 (VCV002121086.5), dbSNP rs2518887957, ClinGen allele CA412040566.
Genomic context (GRCh38, chrX:10,212,495, plus strand): 5'-CCTCATGTTGCTTTTCTCTGTGTCTCCTCAAGATCCCGTCGGGCCTCTTCATCCCCAGCA[T>C]GGCTGTGGGCGCGATAGCGGGCAGGATGGTGGGAATTGGCGTGGAGCAGCTGGCCTACCA-3'
Protein context (NP_001821.2, residues 463-483): KIPSGLFIPS[Met473Thr]AVGAIAGRMV